The following is an entry in ClinVar:

NM_000222.3(KIT):c.2826C>T (p.Cys942=)

Gene: KIT (KIT proto-oncogene, receptor tyrosine kinase; plus strand). Cytogenetic location: 4q12.
Variant type: single nucleotide variant.
Coding change: c.2826C>T on transcript NM_000222.3 (MANE Select); coding-DNA position 2826, C replaced by T.
Protein change: p.Cys942=; no amino-acid change (cysteine 942 retained).
Molecular consequence: synonymous variant.
Genome position (GRCh38, 1-based): chr4:54,738,452, C>T. VCF-style: chr4-54738452-C-T. GRCh37 (hg19) VCF-style: chr4-55604618-C-T.
Other names: c.2814C>T, p.Cys938= (NM_001093772.2, NM_001385292.1); c.2829C>T, p.Cys943= (NM_001385284.1); c.2823C>T, p.Cys941= (NM_001385285.1); c.2811C>T, p.Cys937= (NM_001385286.1); c.2817C>T, p.Cys939= (NM_001385288.1); c.2826C>T, p.Cys942= (NM_001385290.1).
Identifiers: ClinVar variation 528720 (VCV000528720.18), dbSNP rs149932314, ClinGen allele CA439292232.

ClinVar aggregate classification (germline): Benign/Likely benign. Review status: criteria provided, multiple submitters, no conflicts (2 of 4 stars). 4 submissions from 4 submitters: Benign (1); Likely benign (3). Last evaluated 2026-06-05.

Conditions:
KIT-related disorder. Also called: KIT-related condition.
Gastrointestinal stromal tumor. Also called: Gastrointestinal stroma tumor; Gastrointestinal stromal tumor, somatic. Identifiers: Orphanet 44890, MedGen C0238198, MeSH D046152, MONDO:0011719, OMIM 606764, HP:0100723.
Hereditary cancer-predisposing syndrome. Also called: Hereditary neoplastic syndrome; Hereditary Cancer Syndrome; Neoplastic Syndromes, Hereditary; Tumor predisposition. Identifiers: Orphanet 140162, MedGen C0027672, MeSH D009386, MONDO:0015356.

Allele frequency attached by ClinVar (database versions not stated): gnomAD exomes below 0.00001; TOPMed below 0.00001.
gnomAD v4.1: 5 of 1,614,044 alleles (0.00031%); highest among the groups gnomAD compares: Non-Finnish European, 0.00034%; no homozygotes.

Submissions (4):

Myriad Genetics, Inc.
Classification: Benign for Gastrointestinal stromal tumor. Last evaluated: 2026-06-05. Review status: criteria provided, single submitter. Criteria: Myriad Autosomal Dominant, Autosomal Recessive and X-Linked Classification Criteria (2023). Collection method: clinical testing. Allele origin: unknown.
Comment: This variant is considered benign. This variant is a silent/synonymous amino acid change and it is not expected to impact splicing.

Labcorp Genetics (formerly Invitae), Labcorp
Classification: Likely benign for Gastrointestinal stromal tumor. Last evaluated: 2025-11-17. Review status: criteria provided, single submitter. Criteria: Invitae Variant Classification Sherloc (09022015). Collection method: clinical testing. Allele origin: germline.

PreventionGenetics, part of Exact Sciences
Classification: Likely benign for KIT-related condition. Last evaluated: 2025-06-19. Review status: criteria provided, single submitter. Criteria: ACMG Guidelines, 2015. Collection method: clinical testing. Allele origin: germline.
Comment: This variant is classified as likely benign based on ACMG/AMP sequence variant interpretation guidelines (Richards et al. 2015 PMID: 25741868, with internal and published modifications).

Ambry Genetics
Classification: Likely benign for Hereditary cancer-predisposing syndrome. Last evaluated: 2018-10-11. Review status: criteria provided, single submitter. Criteria: Ambry Variant Classification Scheme 2023. Collection method: clinical testing. Allele origin: germline.